The following is an entry in ClinVar:

ClinVar aggregate classification (germline): Benign. Review status: criteria provided, multiple submitters, no conflicts (2 of 4 stars). 3 submissions from 3 submitters: Benign (3). Last evaluated 2026-02-01.

Conditions:
Actin accumulation myopathy (CMYO2A). Also called: CONGENITAL MYOPATHY 2A, TYPICAL, AUTOSOMAL DOMINANT; Nemaline myopathy type 3; Myopathy, actin, congenital, with cores; Nemaline myopathy 3, with intranuclear rods; Myopathy, actin, congenital, with excess of thin myofilaments. Identifiers: Orphanet 98904, MedGen C3711389, MONDO:0008070, OMIM 161800.

Allele frequency attached by ClinVar (database versions not stated): ExAC 0.00127; 1000 Genomes Project 30x 0.00390; TOPMed 0.00421; 1000 Genomes Project 0.00439; ESP Exome Variant Server 0.00441.
gnomAD v4.1: 1,372 of 1,613,556 alleles (0.085%); highest among the groups gnomAD compares: African/African-American, 1.2%; 9 homozygotes.

Submissions (3):

Labcorp Genetics (formerly Invitae), Labcorp
Classification: Benign for Actin accumulation myopathy. Last evaluated: 2026-02-01. Review status: criteria provided, single submitter. Criteria: Invitae Variant Classification Sherloc (09022015). Collection method: clinical testing. Allele origin: germline.

GeneDx
Classification: Benign. Last evaluated: 2017-11-09. Review status: criteria provided, single submitter. Criteria: GeneDx Variant Classification (06012015). Collection method: clinical testing. Allele origin: germline. Affected: yes.
Comment: This variant is considered likely benign or benign based on one or more of the following criteria: it is a conservative change, it occurs at a poorly conserved position in the protein, it is predicted to be benign by multiple in silico algorithms, and/or has population frequency not consistent with disease.

Breakthrough Genomics
Classification: Benign. Review status: criteria provided, single submitter. Criteria: ACMG Guidelines, 2015. Collection method: not provided. Allele origin: germline. Inheritance: Autosomal recessive inheritance. Affected: yes.

NM_001100.4(ACTA1):c.129+16C>T

Gene: ACTA1 (actin alpha 1, skeletal muscle; minus strand). Cytogenetic location: 1q42.13.
Variant type: single nucleotide variant.
Coding change: c.129+16C>T on transcript NM_001100.4 (MANE Select); 16 bases into the intron after coding-DNA position 129, C replaced by T.
Molecular consequence: intron variant.
Genome position (GRCh38, 1-based): chr1:229,432,971, G>A on the plus strand (C>T on the coding strand, the complement: ACTA1 is on the minus strand). VCF-style: chr1-229432971-G-A. GRCh37 (hg19) VCF-style: chr1-229568718-G-A.
Identifiers: ClinVar variation 385202 (VCV000385202.16), dbSNP rs148084911, ClinGen allele CA1442929.